The following is an entry in ClinVar:

NM_000384.3(APOB):c.4150A>G (p.Ser1384Gly)

Gene: APOB (apolipoprotein B; minus strand). Cytogenetic location: 2p24.1.
Variant type: single nucleotide variant.
Coding change: c.4150A>G on transcript NM_000384.3 (MANE Select); coding-DNA position 4150, A replaced by G.
Protein change: p.Ser1384Gly; replaces serine 1384 with glycine.
Molecular consequence: missense variant.
Genome position (GRCh38, 1-based): chr2:21,013,226, T>C on the plus strand (A>G on the coding strand, the complement: APOB is on the minus strand). VCF-style: chr2-21013226-T-C. GRCh37 (hg19) VCF-style: chr2-21236098-T-C.
Other names: short protein forms S1384G.
Identifiers: ClinVar variation 2560908 (VCV002560908.2), dbSNP rs2465380712, ClinGen allele CA346007516.
Genomic context (GRCh38, chr2:21,013,226, plus strand): 5'-CATTGTAGGAAAGCAGGTCAACCACAGAGTCAGCCTTCATGTGGTAACGAGCCCGAAGGC[T>C]GAAATGGTCTGTGCTGGTGTTGCCACCACTGTAGGAGGCGGACCAGTTGTACAAGTTGCT-3'
Protein context (NP_000375.3, residues 1374-1394): SGGNTSTDHF[Ser1384Gly]LRARYHMKAD

ClinVar aggregate classification (germline): Uncertain significance (1 of 4 stars; one submission).

Conditions:
Cardiovascular phenotype. Identifiers: MedGen CN230736.

Allele frequency attached by ClinVar (database versions not stated): gnomAD exomes below 0.00001.
gnomAD v4.1: 1 of 1,614,170 alleles (0.000062%); highest among the groups gnomAD compares: African/African-American, 0.0013%; no homozygotes.

Submission:

Ambry Genetics
Classification: Uncertain significance for Cardiovascular phenotype. Last evaluated: 2023-04-22. Review status: criteria provided, single submitter. Criteria: Ambry Variant Classification Scheme 2023. Collection method: clinical testing. Allele origin: germline.
Comment: The p.S1384G variant (also known as c.4150A>G), located in coding exon 25 of the APOB gene, results from an A to G substitution at nucleotide position 4150. The serine at codon 1384 is replaced by glycine, an amino acid with similar properties. This amino acid position is conserved. In addition, this alteration is predicted to be tolerated by in silico analysis. Since supporting evidence is limited at this time, the clinical significance of this alteration remains unclear.